The following is an entry in ClinVar:

ClinVar aggregate classification (germline): Uncertain significance (1 of 4 stars; one submission).

Conditions:
Hereditary cancer-predisposing syndrome. Also called: Hereditary Cancer Syndrome; Tumor predisposition; Hereditary neoplastic syndrome; Neoplastic Syndromes, Hereditary. Identifiers: Orphanet 140162, MedGen C0027672, MeSH D009386, MONDO:0015356.

Submission:

Ambry Genetics
Classification: Uncertain significance for Hereditary cancer-predisposing syndrome. Last evaluated: 2024-09-14. Review status: criteria provided, single submitter. Criteria: Ambry Variant Classification Scheme 2023. Collection method: clinical testing. Allele origin: germline.
Comment: The p.R300G variant (also known as c.898C>G), located in coding exon 4 of the MSH6 gene, results from a C to G substitution at nucleotide position 898. The arginine at codon 300 is replaced by glycine, an amino acid with dissimilar properties. This amino acid position is well conserved in available vertebrate species. In addition, this alteration is predicted to be deleterious by in silico analysis. Based on the available evidence, the clinical significance of this variant remains unclear.

NM_000179.3(MSH6):c.898C>G (p.Arg300Gly)

Gene: MSH6 (mutS homolog 6; plus strand). Cytogenetic location: 2p16.3.
Variant type: single nucleotide variant.
Coding change: c.898C>G on transcript NM_000179.3 (MANE Select); coding-DNA position 898, C replaced by G.
Protein change: p.Arg300Gly; replaces arginine 300 with glycine.
Molecular consequence: missense variant. On other transcripts: 5 prime UTR variant (9), non-coding transcript variant (4), intron variant (1).
Genome position (GRCh38, 1-based): chr2:47,798,881, C>G. VCF-style: chr2-47798881-C-G. GRCh37 (hg19) VCF-style: chr2-48026020-C-G.
Other names: c.508C>G, p.Arg170Gly (NM_001281492.2); c.-9C>G (NM_001281493.2, NM_001281494.2, NM_001406812.1 and 6 more transcripts); c.994C>G, p.Arg332Gly (NM_001406795.1, NM_001406802.1); c.898C>G, p.Arg300Gly (NM_001406796.1, NM_001406798.1, NM_001406800.1 and 4 more transcripts); c.601C>G, p.Arg201Gly (NM_001406797.1, NM_001406818.1, NM_001406819.1 and 10 more transcripts); c.373C>G, p.Arg125Gly (NM_001406799.1, NM_001406806.1, NM_001406807.1); c.904C>G, p.Arg302Gly (NM_001406813.1); c.820C>G, p.Arg274Gly (NM_001406804.1); and 2 more; short protein forms R201G, R332G, R274G, R125G, R170G, R244G, R302G, R300G.
Identifiers: ClinVar variation 3398918 (VCV003398918.1).